The following is an entry in ClinVar:

ClinVar aggregate classification (germline): Uncertain significance (1 of 4 stars; one submission).

Allele frequency attached by ClinVar (database versions not stated): gnomAD exomes below 0.00001; TOPMed below 0.00001.
gnomAD v4.1: 1 of 1,396,708 alleles (0.000072%); highest among the groups gnomAD compares: South Asian, 0.0015%; no homozygotes.

Submission:

Labcorp Genetics (formerly Invitae), Labcorp
Classification: Uncertain significance. Last evaluated: 2022-07-19. Review status: criteria provided, single submitter. Criteria: Invitae Variant Classification Sherloc (09022015). Collection method: clinical testing. Allele origin: germline.
Comment: This sequence change replaces serine, which is neutral and polar, with leucine, which is neutral and non-polar, at codon 3 of the SZT2 protein (p.Ser3Leu). This variant is not present in population databases (gnomAD no frequency). This variant has not been reported in the literature in individuals affected with SZT2-related conditions. ClinVar contains an entry for this variant (Variation ID: 1356282). Algorithms developed to predict the effect of missense changes on protein structure and function (SIFT, PolyPhen-2, Align-GVGD) all suggest that this variant is likely to be tolerated. In summary, the available evidence is currently insufficient to determine the role of this variant in disease. Therefore, it has been classified as a Variant of Uncertain Significance.

NM_001365999.1(SZT2):c.8C>T (p.Ser3Leu)

Genes: SZT2 (SZT2 subunit of KICSTOR complex; plus strand), LOC129930379 (ATAC-STARR-seq lymphoblastoid silent region 783; plus strand). Cytogenetic location: 1p34.2.
Variant type: single nucleotide variant.
Coding change: c.8C>T on transcript NM_001365999.1 (MANE Select); coding-DNA position 8, C replaced by T.
Protein change: p.Ser3Leu; replaces serine 3 with leucine.
Molecular consequence: missense variant.
Genome position (GRCh38, 1-based): chr1:43,389,976, C>T. VCF-style: chr1-43389976-C-T. GRCh37 (hg19) VCF-style: chr1-43855647-C-T.
Other names: c.8C>T, p.Ser3Leu (NM_015284.4); short protein forms S3L.
Identifiers: ClinVar variation 1356282 (VCV001356282.5), dbSNP rs1648069463, ClinGen allele CA339990025.
Genomic context (GRCh38, chr1:43,389,976, plus strand): 5'-GGTCAAGAGTGGAACACCCTCACTGGCCCGGGCCGGCGCGGGAGGGCTGTGTGATGGCCT[C>T]GGAGCGCCCGGAGCCGGAGGTGAGGGGCGGGCGGGCGCAGCACTGGGCCCCGAGATCCGA-3'
Protein context (NP_001352928.1, residues 1-13): MA[Ser3Leu]ERPEPEVEEA